The following is an entry in ClinVar:

NM_182914.3(SYNE2):c.12209A>G (p.His4070Arg)

Gene: SYNE2 (spectrin repeat containing nuclear envelope protein 2; plus strand). Cytogenetic location: 14q23.2.
Variant type: single nucleotide variant.
Coding change: c.12209A>G on transcript NM_182914.3 (MANE Select); coding-DNA position 12209, A replaced by G.
Protein change: p.His4070Arg; replaces histidine 4070 with arginine.
Molecular consequence: missense variant.
Genome position (GRCh38, 1-based): chr14:64,098,049, A>G. VCF-style: chr14-64098049-A-G. GRCh37 (hg19) VCF-style: chr14-64564767-A-G.
Other names: c.12209A>G, p.His4070Arg (NM_015180.6); short protein forms H4070R.
Identifiers: ClinVar variation 1366552 (VCV001366552.6), dbSNP rs2153635653, ClinGen allele CA389952617.
Genomic context (GRCh38, chr14:64,098,049, plus strand): 5'-ACCAGAGAAAAGAAGACCTGTTGGTGGACTTGAAGGCCACCGTACTAAACCTTCACCAGC[A>G]TTTGAAGCAAGAACAAGAAGGAGTAGAAAGAGATAGGCTGCCAGCTGTAACATCAGAGGA-3'
Protein context (NP_878918.2, residues 4060-4080): LKATVLNLHQ[His4070Arg]LKQEQEGVER

ClinVar aggregate classification (germline): Uncertain significance (1 of 4 stars; one submission).

Conditions:
Emery-Dreifuss muscular dystrophy 5, autosomal dominant (EDMD5). Also called: EMERY-DREIFUSS MUSCULAR DYSTROPHY 5. Identifiers: Orphanet 261, MedGen C2751805, MONDO:0013072, OMIM 612999.

gnomAD v4.1: 1 of 1,614,224 alleles (0.000062%); highest among the groups gnomAD compares: Non-Finnish European, 0.000085%; no homozygotes.

Submission:

Labcorp Genetics (formerly Invitae), Labcorp
Classification: Uncertain significance for Emery-Dreifuss muscular dystrophy 5, autosomal dominant. Last evaluated: 2021-09-07. Review status: criteria provided, single submitter. Criteria: Invitae Variant Classification Sherloc (09022015). Collection method: clinical testing. Allele origin: germline.
Comment: Algorithms developed to predict the effect of missense changes on protein structure and function output the following: SIFT: "Tolerated"; PolyPhen-2: "Benign"; Align-GVGD: "Class C0". The arginine amino acid residue is found in multiple mammalian species, which suggests that this missense change does not adversely affect protein function. In summary, the available evidence is currently insufficient to determine the role of this variant in disease. Therefore, it has been classified as a Variant of Uncertain Significance. This variant has not been reported in the literature in individuals affected with SYNE2-related conditions. This sequence change replaces histidine with arginine at codon 4070 of the SYNE2 protein (p.His4070Arg). The histidine residue is moderately conserved and there is a small physicochemical difference between histidine and arginine. This variant is not present in population databases (ExAC no frequency).